The following is an entry in ClinVar:

NM_003193.5(TBCE):c.1537_1538del (p.Gln513fs)

Genes: B3GALNT2 (beta-1,3-N-acetylgalactosaminyltransferase 2; minus strand), TBCE (tubulin folding cofactor E; plus strand). Cytogenetic location: 1q42.3.
Variant type: Deletion.
Coding change: c.1537_1538del on transcript NM_003193.5 (MANE Select); coding-DNA positions 1537 to 1538, 2 bases deleted (CA; older notation c.1537_1538delCA).
Protein change: p.Gln513fs; shifts the reading frame from glutamine 513.
Molecular consequence: frameshift variant. On other transcripts: 3 prime UTR variant (1).
Genome position (GRCh38, 1-based): chr1:235,448,715-235,448,716, CA deleted; deleting any 2 consecutive bases within chr1:235,448,714-235,448,716 gives the same sequence; the c. name uses the placement nearest the transcript's 3' end. VCF-style (leftmost placement, unchanged base first): chr1-235448713-TAC-T. GRCh37 (hg19) VCF-style: chr1-235612028-TAC-T.
Other names: c.*1491_*1492del (NM_152490.5); c.1537_1538del, p.Gln513fs (NM_001079515.3); c.1690_1691del, p.Gln564fs (NM_001287801.2); c.1198_1199del, p.Gln400fs (NM_001287802.2); short protein forms Q400fs, Q513fs, Q564fs.
Identifiers: ClinVar variation 2013376 (VCV002013376.4), dbSNP rs2527119299, ClinGen allele CA2574159392.

ClinVar aggregate classification (germline): Uncertain significance (1 of 4 stars; one submission).

Submission:

Labcorp Genetics (formerly Invitae), Labcorp
Classification: Uncertain significance. Last evaluated: 2022-07-03. Review status: criteria provided, single submitter. Criteria: Invitae Variant Classification Sherloc (09022015). Collection method: clinical testing. Allele origin: germline.
Comment: This variant is not present in population databases (gnomAD no frequency). This sequence change results in a frameshift in the TBCE gene (p.Gln513Valfs*19). While this is not anticipated to result in nonsense mediated decay, it is expected to disrupt the last 15 amino acid(s) of the TBCE protein and extend the protein by 3 additional amino acid residues. This variant has not been reported in the literature in individuals affected with TBCE-related conditions. In summary, the available evidence is currently insufficient to determine the role of this variant in disease. Therefore, it has been classified as a Variant of Uncertain Significance. Experimental studies and prediction algorithms are not available or were not evaluated, and the functional significance of this variant is currently unknown.